The following is an entry in ClinVar:

ClinVar aggregate classification (germline): Uncertain significance. Review status: criteria provided, multiple submitters, no conflicts (2 of 4 stars). 3 submissions from 3 submitters: Uncertain significance (3). Last evaluated 2026-01-18.

Conditions:
Inborn genetic diseases. Identifiers: MedGen C0950123, MeSH D030342.

Allele frequency attached by ClinVar (database versions not stated): gnomAD 0.00004; TOPMed 0.00004; ExAC 0.00007; ESP Exome Variant Server 0.00008.
gnomAD v4.1: 62 of 1,612,780 alleles (0.0038%); highest among the groups gnomAD compares: Middle Eastern, 0.02%; no homozygotes.

Submissions (3):

Labcorp Genetics (formerly Invitae), Labcorp
Classification: Uncertain significance. Last evaluated: 2026-01-18. Review status: criteria provided, single submitter. Criteria: Invitae Variant Classification Sherloc (09022015). Collection method: clinical testing. Allele origin: germline.
Comment: This sequence change replaces proline, which is neutral and non-polar, with leucine, which is neutral and non-polar, at codon 311 of the DUOX2 protein (p.Pro311Leu). This variant is present in population databases (rs376129290, gnomAD 0.01%). This variant has not been reported in the literature in individuals affected with DUOX2-related conditions. ClinVar contains an entry for this variant (Variation ID: 2193140). Invitae Evidence Modeling of protein sequence and biophysical properties (such as structural, functional, and spatial information, amino acid conservation, physicochemical variation, residue mobility, and thermodynamic stability) indicates that this missense variant is not expected to disrupt DUOX2 protein function with a negative predictive value of 80%. In summary, the available evidence is currently insufficient to determine the role of this variant in disease. Therefore, it has been classified as a Variant of Uncertain Significance.

Ambry Genetics
Classification: Uncertain significance for Inborn genetic diseases. Last evaluated: 2023-09-22. Review status: criteria provided, single submitter. Criteria: Ambry Variant Classification Scheme 2023. Collection method: clinical testing. Allele origin: germline.

CeGaT Center for Human Genetics Tuebingen
Classification: Uncertain significance. Last evaluated: 2022-10-01. Review status: criteria provided, single submitter. Criteria: CeGaT Center For Human Genetics Tuebingen Variant Classification Criteria Version 2. Collection method: clinical testing. Allele origin: germline. Affected: yes. Observed: 1 variant allele.
Comment: DUOX2: PM2, BP4

NM_001363711.2(DUOX2):c.932C>T (p.Pro311Leu)

Gene: DUOX2 (dual oxidase 2; minus strand). Cytogenetic location: 15q21.1.
Variant type: single nucleotide variant.
Coding change: c.932C>T on transcript NM_001363711.2 (MANE Select); coding-DNA position 932, C replaced by T.
Protein change: p.Pro311Leu; replaces proline 311 with leucine.
Molecular consequence: missense variant.
Genome position (GRCh38, 1-based): chr15:45,110,661, G>A on the plus strand (C>T on the coding strand, the complement: DUOX2 is on the minus strand). VCF-style: chr15-45110661-G-A. GRCh37 (hg19) VCF-style: chr15-45402859-G-A.
Other names: c.932C>T (NM_014080.4); c.932C>T, p.Pro311Leu (NM_014080.5); short protein forms P311L.
Identifiers: ClinVar variation 2193140 (VCV002193140.27), dbSNP rs376129290, ClinGen allele CA7538832.